The following is an entry in ClinVar:

NM_000435.3(NOTCH3):c.3718+7G>A

Gene: NOTCH3 (notch receptor 3; minus strand). Cytogenetic location: 19p13.12.
Variant type: single nucleotide variant.
Coding change: c.3718+7G>A on transcript NM_000435.3 (MANE Select); 7 bases into the intron after coding-DNA position 3718, G replaced by A.
Molecular consequence: intron variant.
Genome position (GRCh38, 1-based): chr19:15,179,018, C>T on the plus strand (G>A on the coding strand, the complement: NOTCH3 is on the minus strand). VCF-style: chr19-15179018-C-T. GRCh37 (hg19) VCF-style: chr19-15289829-C-T.
Identifiers: ClinVar variation 890263 (VCV000890263.4), dbSNP rs753987937, ClinGen allele CA9263013.

ClinVar aggregate classification (germline): Likely benign (1 of 4 stars; one submission).

Conditions:
Cerebral arteriopathy, autosomal dominant, with subcortical infarcts and leukoencephalopathy, type 1 (CADASIL1). Also called: DEMENTIA, HEREDITARY MULTIINFARCT TYPE; CADASIL 1; CASIL; Cerebral arteriopathy with subcortical infarcts and leukoencephalopathy 1. Identifiers: Orphanet 136, MedGen C4551768, MONDO:0000914, OMIM 125310.

Allele frequency attached by ClinVar (database versions not stated): gnomAD exomes 0.00005 and 0.00002; gnomAD 0.00001; ExAC 0.00004.
gnomAD v4.1: 26 of 1,614,090 alleles (0.0016%); highest among the groups gnomAD compares: South Asian, 0.019%; no homozygotes.

Submission:

Illumina Laboratory Services, Illumina
Classification: Likely benign for Cerebral arteriopathy, autosomal dominant, with subcortical infarcts and leukoencephalopathy, type 1. Last evaluated: 2018-01-13. Review status: criteria provided, single submitter. Criteria: ICSL Variant Classification Criteria 13 December 2019. Collection method: clinical testing. Allele origin: germline.
Comment: This variant was observed in the ICSL laboratory as part of a predisposition screen in an ostensibly healthy population. It had not been previously curated by ICSL or reported in the Human Gene Mutation Database (HGMD: prior to June 1st, 2018), and was therefore a candidate for classification through an automated scoring system. Utilizing variant allele frequency, disease prevalence and penetrance estimates, and inheritance mode, an automated score was calculated to assess if this variant is too frequent to cause the disease. Based on the score and internal cut-off values, a variant classified as likely benign is not then subjected to further curation. The score for this variant resulted in a classification of likely benign for this disease.